The following is an entry in ClinVar:

ClinVar aggregate classification (germline): Uncertain significance (1 of 4 stars; one submission).

Conditions:
Primary ciliary dyskinesia. Also called: Ciliary dyskinesia. Identifiers: Orphanet 244, MedGen C0008780, MONDO:0016575, HP:0012265.

Submission:

Labcorp Genetics (formerly Invitae), Labcorp
Classification: Uncertain significance for Primary ciliary dyskinesia. Last evaluated: 2026-01-19. Review status: criteria provided, single submitter. Criteria: Invitae Variant Classification Sherloc (09022015). Collection method: clinical testing. Allele origin: germline.
Comment: This sequence change replaces serine, which is neutral and polar, with asparagine, which is neutral and polar, at codon 981 of the DNAH8 protein (p.Ser981Asn). This variant is not present in population databases (gnomAD no frequency). This variant has not been reported in the literature in individuals affected with DNAH8-related conditions. Experimental studies and prediction algorithms are not available or were not evaluated, and the functional significance of this variant is currently unknown. In summary, the available evidence is currently insufficient to determine the role of this variant in disease. Therefore, it has been classified as a Variant of Uncertain Significance.

NM_001206927.2(DNAH8):c.2942G>A (p.Ser981Asn)

Gene: DNAH8 (dynein axonemal heavy chain 8; plus strand). Cytogenetic location: 6p21.2.
Variant type: single nucleotide variant.
Coding change: c.2942G>A on transcript NM_001206927.2 (MANE Select); coding-DNA position 2942, G replaced by A.
Protein change: p.Ser981Asn; replaces serine 981 with asparagine.
Molecular consequence: missense variant.
Genome position (GRCh38, 1-based): chr6:38,803,219, G>A. VCF-style: chr6-38803219-G-A. GRCh37 (hg19) VCF-style: chr6-38770995-G-A.
Other names: c.2291G>A, p.Ser764Asn (NM_001371.4); short protein forms S764N, S981N.
Identifiers: ClinVar variation 4704734 (VCV004704734.1).
Genomic context (GRCh38, chr6:38,803,219, plus strand): 5'-GTCATTTCTTTATTTAACAGACATACACAAAAGAATGGGCTGACATTCTAAACCACAAAA[G>A]TAAGCATGTGGAAGAAGCTGTCAGAGAACTTATATCAATATTTGAGCAGATTTATGAAGT-3'
Protein context (NP_001193856.1, residues 971-991): KEWADILNHK[Ser981Asn]KHVEEAVREL